The following is an entry in ClinVar:

NM_005228.5(EGFR):c.1955G>T (p.Gly652Val)

Gene: EGFR (epidermal growth factor receptor; plus strand). Cytogenetic location: 7p11.2.
Variant type: single nucleotide variant.
Coding change: c.1955G>T on transcript NM_005228.5 (MANE Select); coding-DNA position 1955, G replaced by T.
Protein change: p.Gly652Val; replaces glycine 652 with valine.
Molecular consequence: missense variant.
Genome position (GRCh38, 1-based): chr7:55,173,018, G>T. VCF-style: chr7-55173018-G-T. GRCh37 (hg19) VCF-style: chr7-55240711-G-T.
Other names: c.1820G>T, p.Gly607Val (NM_001346897.2, NM_001346899.2); c.1955G>T, p.Gly652Val (NM_001346898.2); c.1796G>T, p.Gly599Val (NM_001346900.2); c.1154G>T, p.Gly385Val (NM_001346941.2); short protein forms G652V, G385V, G599V, G607V.
Identifiers: ClinVar variation 4247266 (VCV004247266.1).

ClinVar aggregate classification (germline): Uncertain significance (1 of 4 stars; one submission).

Conditions:
Hereditary cancer-predisposing syndrome. Also called: Hereditary Cancer Syndrome; Hereditary neoplastic syndrome; Neoplastic Syndromes, Hereditary; Tumor predisposition. Identifiers: Orphanet 140162, MedGen C0027672, MeSH D009386, MONDO:0015356.

Submission:

Ambry Genetics
Classification: Uncertain significance for Hereditary cancer-predisposing syndrome. Last evaluated: 2025-07-15. Review status: criteria provided, single submitter. Criteria: Ambry Variant Classification Scheme 2023. Collection method: clinical testing. Allele origin: germline.
Comment: The p.G652V variant (also known as c.1955G>T), located in coding exon 17 of the EGFR gene, results from a G to T substitution at nucleotide position 1955. The glycine at codon 652 is replaced by valine, an amino acid with dissimilar properties. This amino acid position is highly conserved in available vertebrate species. In addition, the in silico prediction for this alteration is inconclusive. Based on the available evidence, the clinical significance of this variant remains unclear.